The following is an entry in ClinVar:

ClinVar aggregate classification (germline): Likely benign (1 of 4 stars; one submission).

Submission:

CeGaT Center for Human Genetics Tuebingen
Classification: Likely benign. Last evaluated: 2025-07-01. Review status: criteria provided, single submitter. Criteria: CeGaT Center For Human Genetics Tuebingen Variant Classification Criteria Version 2. Collection method: clinical testing. Allele origin: germline. Affected: yes. Observed: 1 variant allele.
Comment: TTN: PM2:Supporting, BP4, BP7

NM_001267550.2(TTN):c.34614G>C (p.Val11538=)

Gene: TTN (titin; minus strand). Cytogenetic location: 2q31.2.
Variant type: single nucleotide variant.
Coding change: c.34614G>C on transcript NM_001267550.2 (MANE Select); coding-DNA position 34614, G replaced by C.
Protein change: p.Val11538=; no amino-acid change (valine 11538 retained).
Molecular consequence: synonymous variant. On other transcripts: intron variant (3).
Genome position (GRCh38, 1-based): chr2:178,674,408, C>G on the plus strand (G>C on the coding strand, the complement: TTN is on the minus strand). VCF-style: chr2-178674408-C-G. GRCh37 (hg19) VCF-style: chr2-179539135-C-G.
Other names: c.13283-32091G>C (NM_003319.4); c.13859-32091G>C (NM_133437.4); c.13658-32091G>C (NM_133432.3); c.33492G>C, p.Val11164= (NM_001256850.1); c.30711G>C, p.Val10237= (NM_133378.4).
Identifiers: ClinVar variation 4085375 (VCV004085375.8).
Genomic context (GRCh38, chr2:178,674,408, plus strand): 5'-GCTAGGTGGTTCTTCTGGGATTTCTTCTTCTGAAATAGGCTCTTCTTCAGGCTCCTCAGT[C>G]ACTTTAAAAAGATTATTATTTTGTAAATTATTTTTATAATTATTTTGAATATTAGACTAC-3'
Protein context (NP_001254479.2, residues 11528-11548): PKEEEVLPVE[Val11538=]TEEPEEEPIS